The following is an entry in ClinVar:

NM_000553.6(WRN):c.2302A>G (p.Ile768Val)

Gene: WRN (WRN RecQ like helicase; plus strand). Cytogenetic location: 8p12.
Variant type: single nucleotide variant.
Coding change: c.2302A>G on transcript NM_000553.6 (MANE Select); coding-DNA position 2302, A replaced by G.
Protein change: p.Ile768Val; replaces isoleucine 768 with valine.
Molecular consequence: missense variant.
Genome position (GRCh38, 1-based): chr8:31,116,382, A>G. VCF-style: chr8-31116382-A-G. GRCh37 (hg19) VCF-style: chr8-30973898-A-G.
Other names: short protein forms I768V.
Identifiers: ClinVar variation 1053865 (VCV001053865.5), dbSNP rs771180836, ClinGen allele CA4704716.

ClinVar aggregate classification (germline): Uncertain significance (1 of 4 stars; one submission).

Conditions:
Werner syndrome (WRN). Identifiers: Orphanet 902, MedGen C0043119, MONDO:0010196, OMIM 277700.

Allele frequency attached by ClinVar (database versions not stated): TOPMed below 0.00001; ExAC 0.00001; gnomAD exomes 0.00001 and 0.00002.
gnomAD v4.1: 17 of 1,613,982 alleles (0.0011%); highest among the groups gnomAD compares: South Asian, 0.0055%; no homozygotes.

Submission:

Labcorp Genetics (formerly Invitae), Labcorp
Classification: Uncertain significance for Werner syndrome. Last evaluated: 2024-09-08. Review status: criteria provided, single submitter. Criteria: Invitae Variant Classification Sherloc (09022015). Collection method: clinical testing. Allele origin: germline.
Comment: This sequence change replaces isoleucine, which is neutral and non-polar, with valine, which is neutral and non-polar, at codon 768 of the WRN protein (p.Ile768Val). This variant is present in population databases (rs771180836, gnomAD 0.006%). This variant has not been reported in the literature in individuals affected with WRN-related conditions. ClinVar contains an entry for this variant (Variation ID: 1053865). An algorithm developed to predict the effect of missense changes on protein structure and function (PolyPhen-2) suggests that this variant is likely to be disruptive. In summary, the available evidence is currently insufficient to determine the role of this variant in disease. Therefore, it has been classified as a Variant of Uncertain Significance.